The following is an entry in ClinVar:

ClinVar aggregate classification (germline): Uncertain significance (1 of 4 stars; one submission).

Conditions:
Peters plus syndrome. Also called: KRAUSE-KIVLIN SYNDROME. Identifiers: Orphanet 709, MedGen C0796012, MONDO:0009856, OMIM 261540.

Submission:

Labcorp Genetics (formerly Invitae), Labcorp
Classification: Uncertain significance for Peters plus syndrome. Last evaluated: 2021-06-30. Review status: criteria provided, single submitter. Criteria: Invitae Variant Classification Sherloc (09022015). Collection method: clinical testing. Allele origin: germline.
Comment: This sequence change replaces glutamine with arginine at codon 457 of the B3GLCT protein (p.Gln457Arg). The glutamine residue is highly conserved and there is a small physicochemical difference between glutamine and arginine. This variant is not present in population databases (ExAC no frequency). This variant has not been reported in the literature in individuals affected with B3GLCT-related conditions. Algorithms developed to predict the effect of missense changes on protein structure and function are either unavailable or do not agree on the potential impact of this missense change (SIFT: "Tolerated"; PolyPhen-2: "Possibly Damaging"; Align-GVGD: "Class C0"). In summary, the available evidence is currently insufficient to determine the role of this variant in disease. Therefore, it has been classified as a Variant of Uncertain Significance.

NM_194318.4(B3GLCT):c.1370A>G (p.Gln457Arg)

Gene: B3GLCT (beta 3-glucosyltransferase; plus strand). Cytogenetic location: 13q12.3.
Variant type: single nucleotide variant.
Coding change: c.1370A>G on transcript NM_194318.4 (MANE Select); coding-DNA position 1370, A replaced by G.
Protein change: p.Gln457Arg; replaces glutamine 457 with arginine.
Molecular consequence: missense variant.
Genome position (GRCh38, 1-based): chr13:31,329,541, A>G. VCF-style: chr13-31329541-A-G. GRCh37 (hg19) VCF-style: chr13-31903678-A-G.
Other names: short protein forms Q457R.
Identifiers: ClinVar variation 1394289 (VCV001394289.8), dbSNP rs2137957679, ClinGen allele CA387819617.